The following is an entry in ClinVar:

NM_000101.4(CYBA):c.254G>C (p.Arg85Thr)

Gene: CYBA (cytochrome b-245 alpha chain; minus strand). Cytogenetic location: 16q24.2.
Variant type: single nucleotide variant.
Coding change: c.254G>C on transcript NM_000101.4 (MANE Select); coding-DNA position 254, G replaced by C.
Protein change: p.Arg85Thr; replaces arginine 85 with threonine.
Molecular consequence: missense variant.
Genome position (GRCh38, 1-based): chr16:88,646,788, C>G on the plus strand (G>C on the coding strand, the complement: CYBA is on the minus strand). VCF-style: chr16-88646788-C-G. GRCh37 (hg19) VCF-style: chr16-88713196-C-G.
Other names: short protein forms R85T.
Identifiers: ClinVar variation 2142810 (VCV002142810.2), dbSNP rs1159482030, ClinGen allele CA397064426.
Genomic context (GRCh38, chr16:88,646,788, plus strand): 5'-TAGAGGGGGTGCGGGACGGGGACTCACAGGAGATGCAGGACGGCCCGAACATAGTAATTC[C>G]TGGTAAAGGGCCCGAACAGCTTCACCACGGCGGTCATGTACTTCTGTCCCCTGGGGGAGG-3'
Protein context (NP_000092.2, residues 75-95): AVVKLFGPFT[Arg85Thr]NYYVRAVLHL

ClinVar aggregate classification (germline): Uncertain significance (1 of 4 stars; one submission).

Conditions:
Granulomatous disease, chronic, autosomal recessive, cytochrome b-negative. Also called: GRANULOMATOUS DISEASE, CHRONIC, AUTOSOMAL RECESSIVE, 4; Chronic granulomatous disease, autosomal, due to deficiency of CYBA; CGD DUE TO DEFICIENCY OF THE ALPHA SUBUNIT OF CYTOCHROME b; CGD, AUTOSOMAL RECESSIVE CYTOCHROME b-NEGATIVE; CYBA DEFICIENCY. Identifiers: Orphanet 379, MedGen C1856255, MONDO:0009308, OMIM 233690.

Allele frequency attached by ClinVar (database versions not stated): gnomAD exomes below 0.00001; gnomAD 0.00001; TOPMed 0.00001.

Submission:

Labcorp Genetics (formerly Invitae), Labcorp
Classification: Uncertain significance for Granulomatous disease, chronic, autosomal recessive, cytochrome b-negative. Last evaluated: 2025-10-21. Review status: criteria provided, single submitter. Criteria: Invitae Variant Classification Sherloc (09022015). Collection method: clinical testing. Allele origin: germline.
Comment: This sequence change replaces arginine, which is basic and polar, with threonine, which is neutral and polar, at codon 85 of the CYBA protein (p.Arg85Thr). This variant is not present in population databases (gnomAD no frequency). This variant has not been reported in the literature in individuals affected with CYBA-related conditions. ClinVar contains an entry for this variant (Variation ID: 2142810). An algorithm developed to predict the effect of missense changes on protein structure and function (PolyPhen-2) suggests that this variant is likely to be disruptive. In summary, the available evidence is currently insufficient to determine the role of this variant in disease. Therefore, it has been classified as a Variant of Uncertain Significance.